The following is an entry in ClinVar:

NM_003098.3(SNTA1):c.240G>T (p.Ala80=)

Gene: SNTA1 (syntrophin alpha 1; minus strand). Cytogenetic location: 20q11.21.
Variant type: single nucleotide variant.
Coding change: c.240G>T on transcript NM_003098.3 (MANE Select); coding-DNA position 240, G replaced by T.
Protein change: p.Ala80=; no amino-acid change (alanine 80 retained).
Molecular consequence: synonymous variant.
Genome position (GRCh38, 1-based): chr20:33,443,381, C>A on the plus strand (G>T on the coding strand, the complement: SNTA1 is on the minus strand). VCF-style: chr20-33443381-C-A. GRCh37 (hg19) VCF-style: chr20-32031187-C-A.
Other names: c.240G>T (NM_003098.2).
Identifiers: ClinVar variation 1543594 (VCV001543594.10), dbSNP rs765352601, ClinGen allele CA9817264.

ClinVar aggregate classification (germline): Likely benign. Review status: criteria provided, single submitter (1 of 4 stars). 2 submissions from 2 submitters: Likely benign (1). 1 of the submissions does not count toward it. Last evaluated 2023-07-10.

Conditions:
SNTA1-related disorder. Also called: SNTA1-related condition.
Long QT syndrome (LQTS). Identifiers: MedGen C0023976, MeSH D008133, MONDO:0002442. Disease mechanism: loss of function. Inheritance: Various modes of inheritance.

gnomAD v4.1: 7 of 1,416,566 alleles (0.00049%); highest among the groups gnomAD compares: Admixed American, 0.017%; no homozygotes.

Submissions (2):

Labcorp Genetics (formerly Invitae), Labcorp
Classification: Likely benign for Long QT syndrome. Last evaluated: 2023-07-10. Review status: criteria provided, single submitter. Criteria: Invitae Variant Classification Sherloc (09022015). Collection method: clinical testing. Allele origin: germline.

PreventionGenetics, part of Exact Sciences
Classification: Likely benign for SNTA1-related condition. Last evaluated: 2019-11-12. Review status: no assertion criteria provided. Collection method: clinical testing. Allele origin: germline. Not counted in ClinVar's aggregate classification.
Comment: This variant is classified as likely benign based on ACMG/AMP sequence variant interpretation guidelines (Richards et al. 2015 PMID: 25741868, with internal and published modifications).